The following is an entry in ClinVar:

NM_004086.3(COCH):c.1546C>T (p.Pro516Ser)

Genes: COCH (cochlin; plus strand), COCH-AS1 (COCH antisense RNA 1; minus strand). Cytogenetic location: 14q12.
Variant type: single nucleotide variant.
Coding change: c.1546C>T on transcript NM_004086.3 (MANE Select); coding-DNA position 1546, C replaced by T.
Protein change: p.Pro516Ser; replaces proline 516 with serine.
Molecular consequence: missense variant. On other transcripts: non-coding transcript variant (1).
Genome position (GRCh38, 1-based): chr14:30,889,684, C>T. VCF-style: chr14-30889684-C-T. GRCh37 (hg19) VCF-style: chr14-31358890-C-T.
Other names: c.1546C>T, p.Pro516Ser (NM_001135058.2); c.1741C>T, p.Pro581Ser (NM_001347720.2); short protein forms P581S, P516S.
Identifiers: ClinVar variation 1968154 (VCV001968154.5), dbSNP rs917460112, ClinGen allele CA258544042.

ClinVar aggregate classification (germline): Uncertain significance (1 of 4 stars; one submission).

Allele frequency attached by ClinVar (database versions not stated): TOPMed below 0.00001; gnomAD 0.00001.
gnomAD v4.1: 1 of 1,613,754 alleles (0.000062%); highest among the groups gnomAD compares: African/African-American, 0.0013%; no homozygotes.

Submission:

Labcorp Genetics (formerly Invitae), Labcorp
Classification: Uncertain significance. Last evaluated: 2023-08-17. Review status: criteria provided, single submitter. Criteria: Invitae Variant Classification Sherloc (09022015). Collection method: clinical testing. Allele origin: germline.
Comment: In summary, the available evidence is currently insufficient to determine the role of this variant in disease. Therefore, it has been classified as a Variant of Uncertain Significance. Advanced modeling of protein sequence and biophysical properties (such as structural, functional, and spatial information, amino acid conservation, physicochemical variation, residue mobility, and thermodynamic stability) performed at Invitae indicates that this missense variant is expected to disrupt COCH protein function. ClinVar contains an entry for this variant (Variation ID: 1968154). This variant has not been reported in the literature in individuals affected with COCH-related conditions. This variant is not present in population databases (gnomAD no frequency). This sequence change replaces proline, which is neutral and non-polar, with serine, which is neutral and polar, at codon 516 of the COCH protein (p.Pro516Ser).